The following is an entry in ClinVar:

ClinVar aggregate classification (germline): Likely benign. Review status: criteria provided, multiple submitters, no conflicts (2 of 4 stars). 2 submissions from 2 submitters: Likely benign (2). Last evaluated 2024-06-18.

Allele frequency attached by ClinVar (database versions not stated): ESP Exome Variant Server 0.00008; ExAC 0.00010; 1000 Genomes Project 30x 0.00016; gnomAD 0.00016; TOPMed 0.00019.
gnomAD v4.1: 105 of 1,613,876 alleles (0.0065%); highest among the groups gnomAD compares: African/African-American, 0.037%; no homozygotes.

Submissions (2):

Women's Health and Genetics/Laboratory Corporation of America, LabCorp
Classification: Likely benign. Last evaluated: 2024-06-18. Review status: criteria provided, single submitter. Criteria: LabCorp Variant Classification Summary - May 2015. Collection method: clinical testing. Allele origin: germline.
Comment: Variant summary: VWF c.3303C>T alters a conserved nucleotide resulting in a synonymous change. Consensus agreement among computation tools predict no significant impact on normal splicing. However, these predictions have yet to be confirmed by functional studies. The variant allele was found at a frequency of 8.2e-05 in 244998 control chromosomes, predominantly at a frequency of 0.00084 within the African or African-American subpopulation in the gnomAD database. This frequency is not significantly higher than estimated for a pathogenic variant in VWF causing Von Willebrand Disease, allowing no conclusion about variant significance. To our knowledge, no occurrence of c.3303C>T in individuals affected with Von Willebrand Disease and no experimental evidence demonstrating its impact on protein function have been reported. ClinVar has an entry for this variant (Variation ID: 2682104). Based on the evidence outlined above, the variant was classified as likely benign.

Quest Diagnostics Nichols Institute San Juan Capistrano
Classification: Likely benign. Last evaluated: 2022-09-07. Review status: criteria provided, single submitter. Criteria: Quest Diagnostics criteria. Collection method: clinical testing. Allele origin: unknown.

NM_000552.5(VWF):c.3303C>T (p.Cys1101=)

Gene: VWF (von Willebrand factor; minus strand). Cytogenetic location: 12p13.31.
Variant type: single nucleotide variant.
Coding change: c.3303C>T on transcript NM_000552.5 (MANE Select); coding-DNA position 3303, C replaced by T.
Protein change: p.Cys1101=; no amino-acid change (cysteine 1101 retained).
Molecular consequence: synonymous variant.
Genome position (GRCh38, 1-based): chr12:6,023,707, G>A on the plus strand (C>T on the coding strand, the complement: VWF is on the minus strand). VCF-style: chr12-6023707-G-A. GRCh37 (hg19) VCF-style: chr12-6132873-G-A.
Identifiers: ClinVar variation 2682104 (VCV002682104.2), dbSNP rs267607318, ClinGen allele CA6402780.